The following is an entry in ClinVar:

NM_000548.5(TSC2):c.851C>T (p.Ala284Val)

Gene: TSC2 (TSC complex subunit 2; plus strand). Cytogenetic location: 16p13.3.
Variant type: single nucleotide variant.
Coding change: c.851C>T on transcript NM_000548.5 (MANE Select); coding-DNA position 851, C replaced by T.
Protein change: p.Ala284Val; replaces alanine 284 with valine.
Molecular consequence: missense variant.
Genome position (GRCh38, 1-based): chr16:2,058,749, C>T. VCF-style: chr16-2058749-C-T. GRCh37 (hg19) VCF-style: chr16-2108750-C-T.
Other names: c.851C>T, p.Ala284Val (NM_001077183.3, NM_001114382.3, NM_001363528.2 and 3 more transcripts); c.740C>T, p.Ala247Val (NM_001318827.2); c.704C>T, p.Ala235Val (NM_001318829.2); c.251C>T, p.Ala84Val (NM_001318831.2); c.884C>T, p.Ala295Val (NM_001318832.2); short protein forms A247V, A84V, A235V, A284V, A295V.
Identifiers: ClinVar variation 1496332 (VCV001496332.8), dbSNP rs1195702502, ClinGen allele CA394314911.

ClinVar aggregate classification (germline): Uncertain significance (1 of 4 stars; one submission).

Conditions:
Tuberous sclerosis 2 (TSC2). Identifiers: Orphanet 805, MedGen C1860707, MONDO:0013199, OMIM 613254.

Allele frequency attached by ClinVar (database versions not stated): gnomAD exomes below 0.00001 and 0.00001; TOPMed below 0.00001; gnomAD 0.00001.
gnomAD v4.1: 3 of 1,580,450 alleles (0.00019%); highest among the groups gnomAD compares: East Asian, 0.0023%; no homozygotes.

Submission:

Labcorp Genetics (formerly Invitae), Labcorp
Classification: Uncertain significance for Tuberous sclerosis 2. Last evaluated: 2021-06-04. Review status: criteria provided, single submitter. Criteria: Invitae Variant Classification Sherloc (09022015). Collection method: clinical testing. Allele origin: germline.
Comment: This sequence change replaces alanine with valine at codon 284 of the TSC2 protein (p.Ala284Val). The alanine residue is moderately conserved and there is a small physicochemical difference between alanine and valine. This variant is not present in population databases (ExAC no frequency). This variant has not been reported in the literature in individuals with TSC2-related conditions. Algorithms developed to predict the effect of missense changes on protein structure and function (SIFT, PolyPhen-2, Align-GVGD) all suggest that this variant is likely to be tolerated, but these predictions have not been confirmed by published functional studies and their clinical significance is uncertain. In summary, the available evidence is currently insufficient to determine the role of this variant in disease. Therefore, it has been classified as a Variant of Uncertain Significance.